The following is an entry in ClinVar:

ClinVar aggregate classification (germline): Uncertain significance (1 of 4 stars; one submission).

Conditions:
Hereditary cancer-predisposing syndrome. Also called: Hereditary neoplastic syndrome; Hereditary Cancer Syndrome; Neoplastic Syndromes, Hereditary; Tumor predisposition. Identifiers: Orphanet 140162, MedGen C0027672, MeSH D009386, MONDO:0015356.

Submission:

Ambry Genetics
Classification: Uncertain significance for Hereditary cancer-predisposing syndrome. Last evaluated: 2023-04-19. Review status: criteria provided, single submitter. Criteria: Ambry Variant Classification Scheme 2023. Collection method: clinical testing. Allele origin: germline.
Comment: The p.E347V variant (also known as c.1040A>T), located in coding exon 11 of the NF2 gene, results from an A to T substitution at nucleotide position 1040. The glutamic acid at codon 347 is replaced by valine, an amino acid with dissimilar properties. This amino acid position is conserved. In addition, this alteration is predicted to be deleterious by in silico analysis. Since supporting evidence is limited at this time, the clinical significance of this alteration remains unclear.

NM_000268.4(NF2):c.1040A>T (p.Glu347Val)

Gene: NF2 (NF2, moesin-ezrin-radixin like (MERLIN) tumor suppressor; plus strand). Cytogenetic location: 22q12.2.
Variant type: single nucleotide variant.
Coding change: c.1040A>T on transcript NM_000268.4 (MANE Select); coding-DNA position 1040, A replaced by T.
Protein change: p.Glu347Val; replaces glutamic acid 347 with valine.
Molecular consequence: missense variant. On other transcripts: intron variant (1).
Genome position (GRCh38, 1-based): chr22:29,671,866, A>T. VCF-style: chr22-29671866-A-T. GRCh37 (hg19) VCF-style: chr22-30067855-A-T.
Other names: c.926A>T, p.Glu309Val (NM_001407053.1, NM_001407056.1); c.917A>T, p.Glu306Val (NM_001407054.1, NM_001407058.1, NM_181829.3); c.914A>T, p.Glu305Val (NM_001407055.1, NM_181828.3); c.905A>T, p.Glu302Val (NM_001407057.1, NM_001407059.1); c.1040A>T, p.Glu347Val (NM_001407060.1, NM_001407066.1, NM_016418.5 and 2 more transcripts); c.782A>T, p.Glu261Val (NM_001407062.1); c.791A>T, p.Glu264Val (NM_001407063.1, NM_001407064.1, NM_181830.3 and 1 more transcripts); c.506A>T, p.Glu169Val (NM_001407065.1); and 2 more; short protein forms E169V, E305V, E306V, E261V, E270V, E309V, E264V, E302V.
Identifiers: ClinVar variation 2568057 (VCV002568057.2), dbSNP rs2147072165, ClinGen allele CA411146861.